The following is an entry in ClinVar:

NM_002661.5(PLCG2):c.2148C>T (p.Leu716=)

Gene: PLCG2 (phospholipase C gamma 2; plus strand). Cytogenetic location: 16q23.3.
Variant type: single nucleotide variant.
Coding change: c.2148C>T on transcript NM_002661.5 (MANE Select); coding-DNA position 2148, C replaced by T.
Protein change: p.Leu716=; no amino-acid change (leucine 716 retained).
Molecular consequence: synonymous variant.
Genome position (GRCh38, 1-based): chr16:81,919,577, C>T. VCF-style: chr16-81919577-C-T. GRCh37 (hg19) VCF-style: chr16-81953182-C-T.
Other names: p.Leu716=.
Identifiers: ClinVar variation 719737 (VCV000719737.33), dbSNP rs367677388, ClinGen allele CA8194099.

ClinVar aggregate classification (germline): Benign/Likely benign. Review status: criteria provided, multiple submitters, no conflicts (2 of 4 stars). 5 submissions from 5 submitters: Benign (2); Likely benign (3). Last evaluated 2026-01-24.

Conditions:
Familial cold autoinflammatory syndrome 3 (FCAS3). Also called: FAMILIAL ATYPICAL COLD URTICARIA; ANTIBODY DEFICIENCY AND IMMUNE DYSREGULATION, PLCG2-ASSOCIATED. Identifiers: Orphanet 300359, MedGen C3280914, MONDO:0013766, OMIM 614468.
Autoinflammation-PLCG2-associated antibody deficiency-immune dysregulation. Also called: AUTOINFLAMMATION, ANTIBODY DEFICIENCY, AND IMMUNE DYSREGULATION; Autoinflammation, antibody deficiency, and immune dysregulation syndrome; Autoinflammation, antibody deficiency, and immune dysregulation, plcg2-associated. Identifiers: Orphanet 324530, MedGen C3553961, MONDO:0013944, OMIM 614878.

Allele frequency attached by ClinVar (database versions not stated): TOPMed 0.00011; gnomAD 0.00014 and 0.00030; ESP Exome Variant Server 0.00016; gnomAD exomes 0.00042 and 0.00083; 1000 Genomes Project 30x 0.00078; ExAC 0.00087; 1000 Genomes Project 0.00100.
gnomAD v4.1: 669 of 1,614,038 alleles (0.041%); highest among the groups gnomAD compares: South Asian, 0.53%; 6 homozygotes.

Submissions (5):

Labcorp Genetics (formerly Invitae), Labcorp
Classification: Benign for Familial cold autoinflammatory syndrome 3. Last evaluated: 2026-01-24. Review status: criteria provided, single submitter. Criteria: Invitae Variant Classification Sherloc (09022015). Collection method: clinical testing. Allele origin: germline.

Blueprint Genetics
Classification: Likely benign. Last evaluated: 2024-09-20. Review status: criteria provided, single submitter. Criteria: ACMG Guidelines, 2015. Collection method: clinical testing. Allele origin: germline.

CeGaT Center for Human Genetics Tuebingen
Classification: Likely benign. Last evaluated: 2024-05-01. Review status: criteria provided, single submitter. Criteria: CeGaT Center For Human Genetics Tuebingen Variant Classification Criteria Version 2. Collection method: clinical testing. Allele origin: germline. Affected: yes. Observed: 1 variant allele.
Comment: PLCG2: BP4, BP7, BS1

Fulgent Genetics
Classification: Likely benign for Familial cold autoinflammatory syndrome 3; Autoinflammation-PLCG2-associated antibody deficiency-immune dysregulation. Last evaluated: 2022-04-29. Review status: criteria provided, single submitter. Criteria: ACMG Guidelines, 2015. Collection method: clinical testing. Allele origin: unknown.

Mayo Clinic Laboratories, Mayo Clinic
Classification: Benign. Last evaluated: 2021-02-03. Review status: criteria provided, single submitter. Criteria: ACMG Guidelines, 2015. Collection method: clinical testing. Allele origin: germline. Observed: 3 variant alleles.